The following is an entry in ClinVar:

NM_001184880.2(PCDH19):c.360G>C (p.Lys120Asn)

Gene: PCDH19 (protocadherin 19; minus strand). Cytogenetic location: Xq22.1.
Variant type: single nucleotide variant.
Coding change: c.360G>C on transcript NM_001184880.2 (MANE Select); coding-DNA position 360, G replaced by C.
Protein change: p.Lys120Asn; replaces lysine 120 with asparagine.
Molecular consequence: missense variant.
Genome position (GRCh38, 1-based): chrX:100,408,238, C>G on the plus strand (G>C on the coding strand, the complement: PCDH19 is on the minus strand). VCF-style: chrX-100408238-C-G. GRCh37 (hg19) VCF-style: chrX-99663236-C-G.
Other names: c.360G>C, p.Lys120Asn (NM_001105243.2, NM_020766.3); short protein forms K120N.
Identifiers: ClinVar variation 659904 (VCV000659904.9), dbSNP rs1214373921, ClinGen allele CA414010347.

ClinVar aggregate classification (germline): Uncertain significance (1 of 4 stars; one submission).

Conditions:
Developmental and epileptic encephalopathy, 9 (DEE9). Also called: PCDH19-Related X-Linked Female-Limited Epilepsy with Mental Retardation; Early infantile epileptic encephalopathy 9; EPILEPSY, FEMALE-RESTRICTED, WITH MENTAL RETARDATION; JUBERG-HELLMAN SYNDROME. Identifiers: Orphanet 101039, Orphanet 2076, MedGen C1848137, MONDO:0010246, OMIM 300088. Disease mechanism: loss of function.

Allele frequency attached by ClinVar (database versions not stated): TOPMed below 0.00001.

Submission:

Labcorp Genetics (formerly Invitae), Labcorp
Classification: Uncertain significance for Developmental and epileptic encephalopathy, 9. Last evaluated: 2024-04-22. Review status: criteria provided, single submitter. Criteria: Invitae Variant Classification Sherloc (09022015). Collection method: clinical testing. Allele origin: germline.
Comment: This sequence change replaces lysine, which is basic and polar, with asparagine, which is neutral and polar, at codon 120 of the PCDH19 protein (p.Lys120Asn). This variant is not present in population databases (gnomAD no frequency). This variant has not been reported in the literature in individuals affected with PCDH19-related conditions. ClinVar contains an entry for this variant (Variation ID: 659904). Advanced modeling of protein sequence and biophysical properties (such as structural, functional, and spatial information, amino acid conservation, physicochemical variation, residue mobility, and thermodynamic stability) performed at Invitae indicates that this missense variant is not expected to disrupt PCDH19 protein function with a negative predictive value of 95%. In summary, the available evidence is currently insufficient to determine the role of this variant in disease. Therefore, it has been classified as a Variant of Uncertain Significance.